The following is an entry in ClinVar:

NM_014780.5(CUL7):c.2381T>G (p.Leu794Arg)

Gene: CUL7 (cullin 7; minus strand). Cytogenetic location: 6p21.1.
Variant type: single nucleotide variant.
Coding change: c.2381T>G on transcript NM_014780.5 (MANE Select); coding-DNA position 2381, T replaced by G.
Protein change: p.Leu794Arg; replaces leucine 794 with arginine.
Molecular consequence: missense variant.
Genome position (GRCh38, 1-based): chr6:43,046,896, A>C on the plus strand (T>G on the coding strand, the complement: CUL7 is on the minus strand). VCF-style: chr6-43046896-A-C. GRCh37 (hg19) VCF-style: chr6-43014634-A-C.
Other names: c.2477T>G, p.Leu826Arg (NM_001168370.2, NM_001374872.1); c.2381T>G, p.Leu794Arg (NM_001374873.1, NM_001374874.1); short protein forms L826R, L794R.
Identifiers: ClinVar variation 1027891 (VCV001027891.1), dbSNP rs1763962099, ClinGen allele CA364216240.

ClinVar aggregate classification (germline): Uncertain significance (1 of 4 stars; one submission).

Conditions:
3M syndrome 1. Also called: 3-M Syndrome, CUL7-Related. Identifiers: Orphanet 2616, MedGen C2678312, MONDO:0010117, OMIM 273750.

Submission:

Baylor Genetics
Classification: Uncertain significance for 3M syndrome 1. Last evaluated: 2020-01-30. Review status: criteria provided, single submitter. Criteria: ACMG Guidelines, 2015. Collection method: clinical testing. Allele origin: unknown. Affected: yes.
Comment: This variant was determined to be of uncertain significance according to ACMG Guidelines, 2015 [PMID:25741868].